The following is an entry in ClinVar:

NM_000455.5(STK11):c.147C>G (p.Tyr49Ter)

Gene: STK11 (serine/threonine kinase 11; plus strand). Cytogenetic location: 19p13.3.
Variant type: single nucleotide variant.
Coding change: c.147C>G on transcript NM_000455.5 (MANE Select); coding-DNA position 147, C replaced by G.
Protein change: p.Tyr49Ter; replaces tyrosine 49 with a stop codon.
Molecular consequence: nonsense. On other transcripts: non-coding transcript variant (1).
Genome position (GRCh38, 1-based): chr19:1,207,060, C>G. VCF-style: chr19-1207060-C-G. GRCh37 (hg19) VCF-style: chr19-1207059-C-G.
Other names: p.Tyr49*; c.147C>G, p.Tyr49Ter (NM_001407255.1); short protein forms Y49*.
Identifiers: ClinVar variation 3892570 (VCV003892570.3).
Genomic context (GRCh38, chr19:1,207,060, plus strand): 5'-CGACTCCACCGAGGTCATCTACCAGCCGCGCCGCAAGCGGGCCAAGCTCATCGGCAAGTA[C>G]CTGATGGGGGACCTGCTGGGGGAAGGCTCTTACGGCAAGGTGAAGGAGGTGCTGGACTCG-3'

ClinVar aggregate classification (germline): Pathogenic. Review status: criteria provided, multiple submitters, no conflicts (2 of 4 stars). 3 submissions from 3 submitters: Pathogenic (3). Last evaluated 2026-01-06.

Conditions:
Peutz-Jeghers syndrome (PJS). Also called: POLYPOSIS, HAMARTOMATOUS INTESTINAL; POLYPS-AND-SPOTS SYNDROME; Peutz-Jeghers polyposis; Periorificial lentiginosis syndrome. Identifiers: Orphanet 2869, MedGen C0031269, MeSH D010580, MONDO:0008280, OMIM 175200.
Familial pancreatic carcinoma. Identifiers: Orphanet 1333, MedGen C2931038, MONDO:0015278, OMIM 260350.
Germ cell tumor of testis (TGCT). Also called: Testicular germ cell tumor; GERM CELL TUMOR, SOMATIC. Identifiers: Orphanet 363504, MedGen C1336708, MONDO:0010108, OMIM 273300.
Melanoma, cutaneous malignant, susceptibility to, 1 (CMM1). Also called: B-K MOLE SYNDROME; DYSPLASTIC NEVUS SYNDROME, HEREDITARY; FAMILIAL ATYPICAL MOLE-MALIGNANT MELANOMA SYNDROME; MELANOMA, MALIGNANT. Identifiers: Orphanet 618, MedGen C1835047, MONDO:0007963, OMIM 155600.

Submissions (3):

Labcorp Genetics (formerly Invitae), Labcorp
Classification: Pathogenic for Peutz-Jeghers syndrome. Last evaluated: 2026-01-06. Review status: criteria provided, single submitter. Criteria: Invitae Variant Classification Sherloc (09022015). Collection method: clinical testing. Allele origin: germline.
Comment: This sequence change creates a premature translational stop signal (p.Tyr49*) in the STK11 gene. It is expected to result in an absent or disrupted protein product. Loss-of-function variants in STK11 are known to be pathogenic (PMID: 15188174, 16287113). This variant is not present in population databases (gnomAD no frequency). This premature translational stop signal has been observed in individual(s) with Peutz-Jeghers syndrome (PMID: 15863673). ClinVar contains an entry for this variant (Variation ID: 3892570). For these reasons, this variant has been classified as Pathogenic.

Mayo Clinic Laboratories, Mayo Clinic
Classification: Pathogenic. Last evaluated: 2025-03-21. Review status: criteria provided, single submitter. Criteria: ACMG Guidelines, 2015. Collection method: clinical testing. Allele origin: germline. Observed: 1 variant allele.
Comment: PP4, PM2_supporting, PVS1

Department of Pathology and Laboratory Medicine, Sinai Health System
Classification: Pathogenic for Melanoma, cutaneous malignant, susceptibility to, 1; Peutz-Jeghers syndrome; Familial pancreatic carcinoma; Germ cell tumor of testis. Last evaluated: 2021-09-14. Review status: criteria provided, single submitter. Criteria: ACMG Guidelines, 2015. Collection method: clinical testing. Allele origin: germline. Affected: yes.

Literature cited by the submitters: PubMed 15188174 (cited by Labcorp Genetics (formerly Invitae), Labcorp); PubMed 16287113 (cited by Labcorp Genetics (formerly Invitae), Labcorp); PubMed 15863673 (cited by Labcorp Genetics (formerly Invitae), Labcorp).